The following is an entry in ClinVar:

ClinVar aggregate classification (germline): Uncertain significance (1 of 4 stars; one submission).

Conditions:
Thrombophilia due to protein S deficiency, autosomal recessive (THPH6). Identifiers: Orphanet 743, MedGen C3281092, MONDO:0013791, OMIM 614514. Disease mechanism: loss of function.

Submission:

Labcorp Genetics (formerly Invitae), Labcorp
Classification: Uncertain significance for Thrombophilia due to protein S deficiency, autosomal recessive. Last evaluated: 2020-10-26. Review status: criteria provided, single submitter. Criteria: Invitae Variant Classification Sherloc (09022015). Collection method: clinical testing. Allele origin: germline.
Comment: In summary, the available evidence is currently insufficient to determine the role of this variant in disease. Therefore, it has been classified as a Variant of Uncertain Significance. Algorithms developed to predict the effect of sequence changes on RNA splicing suggest that this variant may create or strengthen a splice site, but this prediction has not been confirmed by published transcriptional studies. Algorithms developed to predict the effect of missense changes on protein structure and function (SIFT, PolyPhen-2, Align-GVGD) all suggest that this variant is likely to be disruptive, but these predictions have not been confirmed by published functional studies and their clinical significance is uncertain. This variant has been observed in individual(s) with clinical features of protein S deficiency (PMID: 20880255). This variant is not present in population databases (ExAC no frequency). This sequence change replaces glycine with arginine at codon 180 of the PROS1 protein (p.Gly180Arg). The glycine residue is highly conserved and there is a moderate physicochemical difference between glycine and arginine.

Literature cited by the submitters: PubMed 20880255.

NM_000313.4(PROS1):c.538G>A (p.Gly180Arg)

Gene: PROS1 (protein S; minus strand). Cytogenetic location: 3q11.1.
Variant type: single nucleotide variant.
Coding change: c.538G>A on transcript NM_000313.4 (MANE Select); coding-DNA position 538, G replaced by A.
Protein change: p.Gly180Arg; replaces glycine 180 with arginine.
Molecular consequence: missense variant.
Genome position (GRCh38, 1-based): chr3:93,905,847, C>T on the plus strand (G>A on the coding strand, the complement: PROS1 is on the minus strand). VCF-style: chr3-93905847-C-T. GRCh37 (hg19) VCF-style: chr3-93624691-C-T.
Other names: c.634G>A, p.Gly212Arg (NM_001314077.2); short protein forms G212R, G180R.
Identifiers: ClinVar variation 1047585 (VCV001047585.5), dbSNP rs1708667113, ClinGen allele CA353673510.